The following is an entry in ClinVar:

ClinVar aggregate classification (germline): Pathogenic (1 of 4 stars; one submission).

Submission:

CeGaT Center for Human Genetics Tuebingen
Classification: Pathogenic. Last evaluated: 2026-09-01. Review status: criteria provided, single submitter. Criteria: CeGaT Center For Human Genetics Tuebingen Variant Classification Criteria Version 2. Collection method: clinical testing. Allele origin: germline. Affected: yes. Observed: 1 variant allele.
Comment: SPG11: PVS1, PM2

NM_025137.4(SPG11):c.2658C>G (p.Tyr886Ter)

Gene: SPG11 (SPG11 vesicle trafficking associated, spatacsin; minus strand). Cytogenetic location: 15q21.1.
Variant type: single nucleotide variant.
Coding change: c.2658C>G on transcript NM_025137.4 (MANE Select); coding-DNA position 2658, C replaced by G.
Protein change: p.Tyr886Ter; replaces tyrosine 886 with a stop codon.
Molecular consequence: nonsense.
Genome position (GRCh38, 1-based): chr15:44,620,366, G>C on the plus strand (C>G on the coding strand, the complement: SPG11 is on the minus strand). VCF-style: chr15-44620366-G-C. GRCh37 (hg19) VCF-style: chr15-44912564-G-C.
Other names: c.2658C>G, p.Tyr886Ter (NM_001160227.2, NM_001411132.1); short protein forms Y886*.
Identifiers: ClinVar variation 5041601 (VCV005041601.1).